The following is an entry in ClinVar:

NM_000059.4(BRCA2):c.520C>G (p.Arg174Gly)

Gene: BRCA2 (BRCA2 DNA repair associated; plus strand). Cytogenetic location: 13q13.1.
Variant type: single nucleotide variant.
Coding change: c.520C>G on transcript NM_000059.4 (MANE Select); coding-DNA position 520, C replaced by G.
Protein change: p.Arg174Gly; replaces arginine 174 with glycine.
Molecular consequence: missense variant.
Genome position (GRCh38, 1-based): chr13:32,326,502, C>G. VCF-style: chr13-32326502-C-G. GRCh37 (hg19) VCF-style: chr13-32900639-C-G.
Other names: c.520C>G, p.Arg174Gly (NM_001406719.1, NM_001406720.1, NM_001406721.1); c.151C>G, p.Arg51Gly (NM_001406722.1); short protein forms R174G, R51G.
Identifiers: ClinVar variation 1746087 (VCV001746087.8), dbSNP rs41293469, ClinGen allele CA387757782.

ClinVar aggregate classification (germline): Uncertain significance. Review status: criteria provided, multiple submitters, no conflicts (2 of 4 stars). 2 submissions from 2 submitters: Uncertain significance (2). Last evaluated 2024-11-04.

Conditions:
Hereditary cancer-predisposing syndrome. Also called: Hereditary Cancer Syndrome; Neoplastic Syndromes, Hereditary; Tumor predisposition; Hereditary neoplastic syndrome. Identifiers: Orphanet 140162, MedGen C0027672, MeSH D009386, MONDO:0015356.
Hereditary breast ovarian cancer syndrome. Also called: Breast and ovarian cancer; Hereditary breast and ovarian cancer; Hereditary breast and/or ovarian cancer syndrome; BRCA1- and BRCA2-Associated Hereditary Breast and Ovarian Cancer; Hereditary breast and ovarian cancer syndrome (HBOC); Hereditary breast and ovarian cancer syndrome. Identifiers: Orphanet 145, MedGen C0677776, MeSH D061325, MONDO:0003582. Disease mechanism: loss of function.

Submissions (2):

Labcorp Genetics (formerly Invitae), Labcorp
Classification: Uncertain significance for Hereditary breast ovarian cancer syndrome. Last evaluated: 2024-11-04. Review status: criteria provided, single submitter. Criteria: Invitae Variant Classification Sherloc (09022015). Collection method: clinical testing. Allele origin: germline.
Comment: This sequence change replaces arginine, which is basic and polar, with glycine, which is neutral and non-polar, at codon 174 of the BRCA2 protein (p.Arg174Gly). This variant is not present in population databases (gnomAD no frequency). This variant has not been reported in the literature in individuals affected with BRCA2-related conditions. ClinVar contains an entry for this variant (Variation ID: 1746087). Invitae Evidence Modeling of protein sequence and biophysical properties (such as structural, functional, and spatial information, amino acid conservation, physicochemical variation, residue mobility, and thermodynamic stability) indicates that this missense variant is not expected to disrupt BRCA2 protein function with a negative predictive value of 95%. Algorithms developed to predict the effect of sequence changes on RNA splicing suggest that this variant may disrupt the consensus splice site. In summary, the available evidence is currently insufficient to determine the role of this variant in disease. Therefore, it has been classified as a Variant of Uncertain Significance.

Ambry Genetics
Classification: Uncertain significance for Hereditary cancer-predisposing syndrome. Last evaluated: 2024-05-29. Review status: criteria provided, single submitter. Criteria: Ambry Variant Classification Scheme 2023. Collection method: clinical testing. Allele origin: germline.
Comment: The p.R174G variant (also known as c.520C>G), located in coding exon 6 of the BRCA2 gene, results from a C to G substitution at nucleotide position 520. The arginine at codon 174 is replaced by glycine, an amino acid with dissimilar properties. This amino acid position is well conserved in available vertebrate species. In addition, this alteration is predicted to be tolerated by in silico analysis. Based on the available evidence, the clinical significance of this variant remains unclear.